The following is an entry in ClinVar:

ClinVar aggregate classification (germline): Uncertain significance. Review status: criteria provided, multiple submitters, no conflicts (2 of 4 stars). 2 submissions from 2 submitters: Uncertain significance (2). Last evaluated 2022-10-05.

gnomAD v4.1: 1 of 1,614,108 alleles (0.000062%); highest among the groups gnomAD compares: South Asian, 0.0011%; no homozygotes.

Submissions (2):

Ambry Genetics
Classification: Uncertain significance. Last evaluated: 2022-10-05. Review status: criteria provided, single submitter. Criteria: Ambry Variant Classification Scheme 2023. Collection method: clinical testing. Allele origin: germline.
Comment: The p.T515N variant (also known as c.1544C>A), located in coding exon 9 of the GALNT12 gene, results from a C to A substitution at nucleotide position 1544. The threonine at codon 515 is replaced by asparagine, an amino acid with similar properties. This amino acid position is poorly conserved in available vertebrate species. In addition, this alteration is predicted to be tolerated by in silico analysis. Since supporting evidence is limited at this time, the clinical significance of this alteration remains unclear.

Labcorp Genetics (formerly Invitae), Labcorp
Classification: Uncertain significance. Last evaluated: 2022-06-17. Review status: criteria provided, single submitter. Criteria: Invitae Variant Classification Sherloc (09022015). Collection method: clinical testing. Allele origin: germline.
Comment: In summary, the available evidence is currently insufficient to determine the role of this variant in disease. Therefore, it has been classified as a Variant of Uncertain Significance. Algorithms developed to predict the effect of missense changes on protein structure and function (SIFT, PolyPhen-2, Align-GVGD) all suggest that this variant is likely to be tolerated. This variant has not been reported in the literature in individuals affected with GALNT12-related conditions. This variant is not present in population databases (gnomAD no frequency). This sequence change replaces threonine, which is neutral and polar, with asparagine, which is neutral and polar, at codon 515 of the GALNT12 protein (p.Thr515Asn).

NM_024642.5(GALNT12):c.1544C>A (p.Thr515Asn)

Gene: GALNT12 (polypeptide N-acetylgalactosaminyltransferase 12; plus strand). Cytogenetic location: 9q22.33.
Variant type: single nucleotide variant.
Coding change: c.1544C>A on transcript NM_024642.5 (MANE Select); coding-DNA position 1544, C replaced by A.
Protein change: p.Thr515Asn; replaces threonine 515 with asparagine.
Molecular consequence: missense variant.
Genome position (GRCh38, 1-based): chr9:98,846,062, C>A. VCF-style: chr9-98846062-C-A. GRCh37 (hg19) VCF-style: chr9-101608344-C-A.
Other names: short protein forms T515N.
Identifiers: ClinVar variation 1465779 (VCV001465779.10), dbSNP rs1836406734, ClinGen allele CA374221775.